The following is an entry in ClinVar:

NM_006363.6(SEC23B):c.2190_2191dup (p.Asn731fs)

Gene: SEC23B (SEC23 homolog B, COPII component; plus strand). Cytogenetic location: 20p11.23.
Variant type: Microsatellite.
Coding change: c.2190_2191dup on transcript NM_006363.6 (MANE Select); coding-DNA positions 2190 to 2191, 2 bases duplicated (CA; older notation c.2190_2191dupCA).
Protein change: p.Asn731fs; shifts the reading frame from asparagine 731.
Molecular consequence: frameshift variant.
Genome position (GRCh38, 1-based): chr20:18,555,149-18,555,150, CA duplicated; duplicating any 2 consecutive bases within chr20:18,555,144-18,555,150 gives the same sequence; the c. name uses the placement nearest the transcript's 3' end. VCF-style (leftmost placement, unchanged base first): chr20-18555143-G-GAC. GRCh37 (hg19) VCF-style: chr20-18535787-G-GAC.
Other names: c.2190_2191dup, p.Asn731fs (NM_001172745.3, NM_032985.6, NM_032986.5); c.2136_2137dup, p.Asn713fs (NM_001172746.3); short protein forms N713fs, N731fs.
Identifiers: ClinVar variation 2921906 (VCV002921906.3), dbSNP rs2517523586, ClinGen allele CA2740097051.

ClinVar aggregate classification (germline): Pathogenic (1 of 4 stars; one submission).

Conditions:
Congenital dyserythropoietic anemia, type II (CDAN2). Also called: DYSERYTHROPOIETIC ANEMIA, HEMPAS TYPE. Identifiers: Orphanet 98873, MedGen C1306589, MONDO:0009134, OMIM 224100.
Cowden syndrome 7 (CWS7). Identifiers: Orphanet 201, MedGen C4225179, MONDO:0014802, OMIM 616858.

Submission:

Labcorp Genetics (formerly Invitae), Labcorp
Classification: Pathogenic for Congenital dyserythropoietic anemia, type II; Cowden syndrome 7. Last evaluated: 2024-01-03. Review status: criteria provided, single submitter. Criteria: Invitae Variant Classification Sherloc (09022015). Collection method: clinical testing. Allele origin: germline.
Comment: This sequence change creates a premature translational stop signal (p.Asn731Thrfs*16) in the SEC23B gene. While this is not anticipated to result in nonsense mediated decay, it is expected to disrupt the last 37 amino acid(s) of the SEC23B protein. This variant is not present in population databases (gnomAD no frequency). This variant has not been reported in the literature in individuals affected with SEC23B-related conditions. This variant disrupts a region of the SEC23B protein in which other variant(s) (p.Phe754Leufs*5) have been determined to be pathogenic (PMID: 27471141; Invitae). This suggests that this is a clinically significant region of the protein, and that variants that disrupt it are likely to be disease-causing. For these reasons, this variant has been classified as Pathogenic.

Literature cited by the submitters: PubMed 27471141.